The following is an entry in ClinVar:

NM_000388.4(CASR):c.1406T>G (p.Phe469Cys)

Gene: CASR (calcium sensing receptor; plus strand). Cytogenetic location: 3q21.1.
Variant type: single nucleotide variant.
Coding change: c.1406T>G on transcript NM_000388.4 (MANE Select); coding-DNA position 1406, T replaced by G.
Protein change: p.Phe469Cys; replaces phenylalanine 469 with cysteine.
Molecular consequence: missense variant.
Genome position (GRCh38, 1-based): chr3:122,275,840, T>G. VCF-style: chr3-122275840-T-G. GRCh37 (hg19) VCF-style: chr3-121994687-T-G.
Other names: c.1406T>G, p.Phe469Cys (NM_001178065.2); c.1406T>G (NM_000388.3); short protein forms F469C.
Identifiers: ClinVar variation 1697469 (VCV001697469.15), dbSNP rs1376231303, ClinGen allele CA354154877.

ClinVar aggregate classification (germline): Uncertain significance. Review status: criteria provided, multiple submitters, no conflicts (2 of 4 stars). 4 submissions from 4 submitters: Uncertain significance (4). Last evaluated 2025-03-04.

Conditions:
Nephrolithiasis/nephrocalcinosis. Identifiers: MedGen CN580796.
Autosomal dominant hypocalcemia 1 (HYPOC1). Also called: HYPOCALCEMIA, FAMILIAL. Identifiers: MedGen C3715128, MONDO:0011013, OMIM 601198.
Familial hypocalciuric hypercalcemia (FHH). Also called: Familial benign hypercalcemia. Identifiers: Orphanet 405, MedGen C1809471, MONDO:0018458.

Allele frequency attached by ClinVar (database versions not stated): gnomAD exomes below 0.00001.
gnomAD v4.1: 1 of 1,613,996 alleles (0.000062%); highest among the groups gnomAD compares: Non-Finnish European, 0.000085%; no homozygotes.

Submissions (4):

Center for Genomic Medicine, Rigshospitalet, Copenhagen University Hospital
Classification: Uncertain significance. Last evaluated: 2025-03-04. Review status: criteria provided, single submitter. Criteria: ACMG Guidelines, 2015. Collection method: clinical testing. Allele origin: germline.

Labcorp Genetics (formerly Invitae), Labcorp
Classification: Uncertain significance for Familial hypocalciuric hypercalcemia; Autosomal dominant hypocalcemia 1. Last evaluated: 2022-05-27. Review status: criteria provided, single submitter. Criteria: Invitae Variant Classification Sherloc (09022015). Collection method: clinical testing. Allele origin: germline.
Comment: In summary, the available evidence is currently insufficient to determine the role of this variant in disease. Therefore, it has been classified as a Variant of Uncertain Significance. Algorithms developed to predict the effect of missense changes on protein structure and function (SIFT, PolyPhen-2, Align-GVGD) all suggest that this variant is likely to be disruptive. This variant has not been reported in the literature in individuals affected with CASR-related conditions. This variant is present in population databases (no rsID available, gnomAD 0.0009%). This sequence change replaces phenylalanine, which is neutral and non-polar, with cysteine, which is neutral and slightly polar, at codon 469 of the CASR protein (p.Phe469Cys).

Ambry Genetics
Classification: Uncertain significance for Nephrolithiasis/nephrocalcinosis. Last evaluated: 2021-11-07. Review status: criteria provided, single submitter. Criteria: Ambry Variant Classification Scheme 2023. Collection method: clinical testing. Allele origin: germline.
Comment: The p.F469C variant (also known as c.1406T>G), located in coding exon 4 of the CASR gene, results from a T to G substitution at nucleotide position 1406. The phenylalanine at codon 469 is replaced by cysteine, an amino acid with highly dissimilar properties. This amino acid position is conserved. In addition, this alteration is predicted to be deleterious by in silico analysis. Since supporting evidence is limited at this time, the clinical significance of this alteration remains unclear.

Blueprint Genetics
Classification: Uncertain significance. Last evaluated: 2020-12-29. Review status: criteria provided, single submitter. Criteria: ACMG Guidelines, 2015. Collection method: clinical testing. Allele origin: germline.